The following is an entry in ClinVar:

NM_006269.2(RP1):c.3944G>A (p.Cys1315Tyr)

Gene: RP1 (RP1 axonemal microtubule associated; plus strand). Cytogenetic location: 8q12.1.
Variant type: single nucleotide variant.
Coding change: c.3944G>A on transcript NM_006269.2 (MANE Select); coding-DNA position 3944, G replaced by A.
Protein change: p.Cys1315Tyr; replaces cysteine 1315 with tyrosine.
Molecular consequence: missense variant. On other transcripts: intron variant (1).
Genome position (GRCh38, 1-based): chr8:54,627,826, G>A. VCF-style: chr8-54627826-G-A. GRCh37 (hg19) VCF-style: chr8-55540386-G-A.
Other names: c.787+5538G>A (NM_001375654.1); short protein forms C1315Y.
Identifiers: ClinVar variation 1436289 (VCV001436289.6), dbSNP rs2129317379, ClinGen allele CA370980768.
Genomic context (GRCh38, chr8:54,627,826, plus strand): 5'-AGGCTTGTTTCCTAGGAGAGGTCTGTTCACTTACTGATACTGTGTTTTCTGATAAGGCTT[G>A]TGCTCAAAAGGAGAACCATACCTATGAGGGAGCTTGCCCAATTGATGAGACCTACGTTCC-3'
Protein context (NP_006260.1, residues 1305-1325): LTDTVFSDKA[Cys1315Tyr]AQKENHTYEG

ClinVar aggregate classification (germline): Uncertain significance (1 of 4 stars; one submission).

Submission:

Labcorp Genetics (formerly Invitae), Labcorp
Classification: Uncertain significance. Last evaluated: 2025-09-06. Review status: criteria provided, single submitter. Criteria: Invitae Variant Classification Sherloc (09022015). Collection method: clinical testing. Allele origin: germline.
Comment: This sequence change replaces cysteine, which is neutral and slightly polar, with tyrosine, which is neutral and polar, at codon 1315 of the RP1 protein (p.Cys1315Tyr). This variant is not present in population databases (gnomAD no frequency). This variant has not been reported in the literature in individuals affected with RP1-related conditions. ClinVar contains an entry for this variant (Variation ID: 1436289). An algorithm developed to predict the effect of missense changes on protein structure and function outputs the following: PolyPhen-2: "Benign". The tyrosine amino acid residue is found in multiple mammalian species, which suggests that this missense change does not adversely affect protein function. In summary, the available evidence is currently insufficient to determine the role of this variant in disease. Therefore, it has been classified as a Variant of Uncertain Significance.